The following is an entry in ClinVar:

NM_000548.5(TSC2):c.5161-14G>A

Gene: TSC2 (TSC complex subunit 2; plus strand). Cytogenetic location: 16p13.3.
Variant type: single nucleotide variant.
Coding change: c.5161-14G>A on transcript NM_000548.5 (MANE Select); 14 bases into the intron before coding-DNA position 5161, G replaced by A.
Molecular consequence: intron variant.
Genome position (GRCh38, 1-based): chr16:2,088,213, G>A. VCF-style: chr16-2088213-G-A. GRCh37 (hg19) VCF-style: chr16-2138214-G-A.
Other names: c.3619-14G>A (NM_001406693.1, NM_001406692.1, NM_001406694.1); c.5053-14G>A (NM_001406667.1); c.5050-14G>A (NM_001406668.1); c.4561-14G>A (NM_001406680.1); c.4492-14G>A (NM_001406683.1, NM_001406682.1); c.4360-14G>A (NM_001406687.1, NM_001406688.1); c.3748-14G>A (NM_001406689.1); c.3688-14G>A (NM_001406690.1); and 27 more.
Identifiers: ClinVar variation 2796601 (VCV002796601.4), dbSNP rs2151626974, ClinGen allele CA2631118429.

ClinVar aggregate classification (germline): Likely benign. Review status: criteria provided, multiple submitters, no conflicts (2 of 4 stars). 2 submissions from 2 submitters: Likely benign (2). Last evaluated 2025-06-06.

Conditions:
Tuberous sclerosis 2 (TSC2). Identifiers: Orphanet 805, MedGen C1860707, MONDO:0013199, OMIM 613254.

Allele frequency attached by ClinVar (database versions not stated): gnomAD exomes below 0.00001.
gnomAD v4.1: 2 of 1,613,108 alleles (0.00012%); highest among the groups gnomAD compares: Non-Finnish European, 0.00017%; no homozygotes.

Submissions (2):

Myriad Genetics, Inc.
Classification: Likely benign for Tuberous sclerosis 2. Last evaluated: 2025-06-06. Review status: criteria provided, single submitter. Criteria: Myriad Autosomal Dominant, Autosomal Recessive and X-Linked Classification Criteria (2023). Collection method: clinical testing. Allele origin: unknown.
Comment: This variant is considered likely benign. This variant is intronic and is not expected to impact mRNA splicing.

Labcorp Genetics (formerly Invitae), Labcorp
Classification: Likely benign for Tuberous sclerosis 2. Last evaluated: 2023-12-02. Review status: criteria provided, single submitter. Criteria: Invitae Variant Classification Sherloc (09022015). Collection method: clinical testing. Allele origin: germline.